The following is an entry in ClinVar:

ClinVar aggregate classification (germline): Uncertain significance (1 of 4 stars; one submission).

Conditions:
Developmental and epileptic encephalopathy, 9 (DEE9). Also called: Early infantile epileptic encephalopathy 9; EPILEPSY, FEMALE-RESTRICTED, WITH MENTAL RETARDATION; JUBERG-HELLMAN SYNDROME; PCDH19-Related X-Linked Female-Limited Epilepsy with Mental Retardation. Identifiers: Orphanet 101039, Orphanet 2076, MedGen C1848137, MONDO:0010246, OMIM 300088. Disease mechanism: loss of function.

Submission:

Labcorp Genetics (formerly Invitae), Labcorp
Classification: Uncertain significance for Developmental and epileptic encephalopathy, 9. Last evaluated: 2020-02-24. Review status: criteria provided, single submitter. Criteria: Invitae Variant Classification Sherloc (09022015). Collection method: clinical testing. Allele origin: germline.
Comment: This sequence change replaces isoleucine with asparagine at codon 138 of the PCDH19 protein (p.Ile138Asn). The isoleucine residue is highly conserved and there is a large physicochemical difference between isoleucine and asparagine. In summary, the available evidence is currently insufficient to determine the role of this variant in disease. Therefore, it has been classified as a Variant of Uncertain Significance. Algorithms developed to predict the effect of missense changes on protein structure and function are either unavailable or do not agree on the potential impact of this missense change (SIFT: "Deleterious"; PolyPhen-2: "Probably Damaging"; Align-GVGD: "Class C0"). This variant has not been reported in the literature in individuals with PCDH19-related disease. This variant is not present in population databases (ExAC no frequency).

NM_001184880.2(PCDH19):c.413T>A (p.Ile138Asn)

Gene: PCDH19 (protocadherin 19; minus strand). Cytogenetic location: Xq22.1.
Variant type: single nucleotide variant.
Coding change: c.413T>A on transcript NM_001184880.2 (MANE Select); coding-DNA position 413, T replaced by A.
Protein change: p.Ile138Asn; replaces isoleucine 138 with asparagine.
Molecular consequence: missense variant.
Genome position (GRCh38, 1-based): chrX:100,408,185, A>T on the plus strand (T>A on the coding strand, the complement: PCDH19 is on the minus strand). VCF-style: chrX-100408185-A-T. GRCh37 (hg19) VCF-style: chrX-99663183-A-T.
Other names: c.413T>A, p.Ile138Asn (NM_001105243.2, NM_020766.3); short protein forms I138N.
Identifiers: ClinVar variation 653669 (VCV000653669.9), dbSNP rs1602637994, ClinGen allele CA414009809.